The following is an entry in ClinVar:

NM_001458.5(FLNC):c.2040C>T (p.Thr680=)

Gene: FLNC (filamin C; plus strand). Cytogenetic location: 7q32.1.
Variant type: single nucleotide variant.
Coding change: c.2040C>T on transcript NM_001458.5 (MANE Select); coding-DNA position 2040, C replaced by T.
Protein change: p.Thr680=; no amino-acid change (threonine 680 retained).
Molecular consequence: synonymous variant.
Genome position (GRCh38, 1-based): chr7:128,841,486, C>T. VCF-style: chr7-128841486-C-T. GRCh37 (hg19) VCF-style: chr7-128481540-C-T.
Other names: c.2040C>T, p.Thr680= (NM_001127487.2).
Identifiers: ClinVar variation 194198 (VCV000194198.45), dbSNP rs368121231, ClinGen allele CA240057.

ClinVar aggregate classification (germline): Conflicting classifications of pathogenicity. Review status: criteria provided, conflicting classifications (1 of 4 stars). 9 submissions from 9 submitters: Uncertain significance (1); Benign (2); Likely benign (6). Last evaluated 2026-06-23.

Conditions:
Cardiovascular phenotype. Identifiers: MedGen CN230736.
Distal myopathy with posterior leg and anterior hand involvement. Also called: WILLIAMS DISTAL MYOPATHY. Identifiers: Orphanet 63273, MedGen C3279722, MONDO:0013550, OMIM 614065.
Hypertrophic cardiomyopathy 26. Also called: Cardiomyopathy, familial hypertrophic, 26. Identifiers: Orphanet 75249, MedGen C4310749, MONDO:0014883, OMIM 617047.
Myofibrillar myopathy 5. Also called: Filaminopathy (type); FILAMINOPATHY, AUTOSOMAL DOMINANT. Identifiers: Orphanet 171445, MedGen C1836050, MONDO:0012289, OMIM 609524.
FLNC-related disorder. Also called: FLNC-related condition; FLNC-related disorders.

Allele frequency attached by ClinVar (database versions not stated): gnomAD exomes 0.00004 and 0.00005; ExAC 0.00005; TOPMed 0.00006; ESP Exome Variant Server 0.00008; gnomAD 0.00008.
gnomAD v4.1: 82 of 1,614,044 alleles (0.0051%); highest among the groups gnomAD compares: South Asian, 0.013%; no homozygotes.

Submissions (9):

Women's Health and Genetics/Laboratory Corporation of America, LabCorp
Classification: Benign. Last evaluated: 2026-06-23. Review status: criteria provided, single submitter. Criteria: LabCorp Variant Classification Summary - May 2015. Collection method: clinical testing. Allele origin: germline.

Labcorp Genetics (formerly Invitae), Labcorp
Classification: Likely benign for Distal myopathy with posterior leg and anterior hand involvement; Myofibrillar myopathy 5; Hypertrophic cardiomyopathy 26. Last evaluated: 2026-01-18. Review status: criteria provided, single submitter. Criteria: Invitae Variant Classification Sherloc (09022015). Collection method: clinical testing. Allele origin: germline.

Athena Diagnostics
Classification: Benign. Last evaluated: 2025-09-19. Review status: criteria provided, single submitter. Criteria: Athena Diagnostics Criteria. Collection method: clinical testing. Allele origin: unknown.
Comment: The frequency of this variant in the general population is higher than would generally be expected for pathogenic variants in this gene. Computational tools yielded predictions that this variant is unlikely to have an effect on normal RNA splicing. This nucleotide position exhibits low evolutionary conservation.

PreventionGenetics, part of Exact Sciences
Classification: Likely benign for FLNC-related condition. Last evaluated: 2025-08-29. Review status: criteria provided, single submitter. Criteria: ACMG Guidelines, 2015. Collection method: clinical testing. Allele origin: germline.
Comment: This variant is classified as likely benign based on ACMG/AMP sequence variant interpretation guidelines (Richards et al. 2015 PMID: 25741868, with internal and published modifications).

Molecular Diagnostic Laboratory for Inherited Cardiovascular Disease, Montreal Heart Institute
Classification: Likely benign. Last evaluated: 2025-07-24. Review status: criteria provided, single submitter. Criteria: ACMG Guidelines, 2015. Collection method: clinical testing. Allele origin: germline. Affected: no.
Comment: BP7

Blueprint Genetics
Classification: Likely benign. Last evaluated: 2024-07-11. Review status: criteria provided, single submitter. Criteria: ACMG Guidelines, 2015. Collection method: clinical testing. Allele origin: germline.

CeGaT Center for Human Genetics Tuebingen
Classification: Likely benign. Last evaluated: 2022-03-01. Review status: criteria provided, single submitter. Criteria: CeGaT Center For Human Genetics Tuebingen Variant Classification Criteria Version 2. Collection method: clinical testing. Allele origin: germline. Affected: yes. Observed: 1 variant allele.
Comment: FLNC: BP4, BP7

Ambry Genetics
Classification: Likely benign for Cardiovascular phenotype. Last evaluated: 2019-05-30. Review status: criteria provided, single submitter. Criteria: Ambry Variant Classification Scheme 2023. Collection method: clinical testing. Allele origin: germline.

Eurofins Ntd Llc (ga)
Classification: Uncertain significance. Last evaluated: 2014-07-21. Review status: criteria provided, single submitter. Criteria: EGL Classification Definitions 2015. Collection method: clinical testing. Allele origin: germline. Observed: 1 variant allele, 1 heterozygote.